The following is an entry in ClinVar:

NM_013254.4(TBK1):c.147G>A (p.Val49=)

Gene: TBK1 (TANK binding kinase 1; plus strand). Cytogenetic location: 12q14.2.
Variant type: single nucleotide variant.
Coding change: c.147G>A on transcript NM_013254.4 (MANE Select); coding-DNA position 147, G replaced by A.
Protein change: p.Val49=; no amino-acid change (valine 49 retained).
Molecular consequence: synonymous variant.
Genome position (GRCh38, 1-based): chr12:64,460,248, G>A. VCF-style: chr12-64460248-G-A. GRCh37 (hg19) VCF-style: chr12-64854028-G-A.
Identifiers: ClinVar variation 3646480 (VCV003646480.2).
Genomic context (GRCh38, chr12:64,460,248, plus strand): 5'-GAAAACTGGTGATTTATTTGCTATCAAAGTATTTAATAACATAAGCTTCCTTCGTCCAGT[G>A]GATGTTCAAATGAGAGAATTTGAAGTGTTGAAAAAACTCAATCACAAAAATATTGTCAAA-3'
Protein context (NP_037386.1, residues 39-59): VFNNISFLRP[Val49=]DVQMREFEVL

ClinVar aggregate classification (germline): Uncertain significance (1 of 4 stars; one submission).

Conditions:
Frontotemporal dementia and/or amyotrophic lateral sclerosis 4. Also called: FTDALS4. Identifiers: Orphanet 275872, MedGen C4225325, MONDO:0014641, OMIM 616439.

Submission:

Labcorp Genetics (formerly Invitae), Labcorp
Classification: Uncertain significance for Frontotemporal dementia and/or amyotrophic lateral sclerosis 4. Last evaluated: 2024-05-21. Review status: criteria provided, single submitter. Criteria: Invitae Variant Classification Sherloc (09022015). Collection method: clinical testing. Allele origin: germline.
Comment: This sequence change affects codon 49 of the TBK1 mRNA. It is a 'silent' change, meaning that it does not change the encoded amino acid sequence of the TBK1 protein. This variant is not present in population databases (gnomAD no frequency). This variant has not been reported in the literature in individuals affected with TBK1-related conditions. Algorithms developed to predict the effect of sequence changes on RNA splicing suggest that this variant may create or strengthen a splice site. In summary, the available evidence is currently insufficient to determine the role of this variant in disease. Therefore, it has been classified as a Variant of Uncertain Significance.